The following is an entry in ClinVar:

ClinVar aggregate classification (germline): Pathogenic (1 of 4 stars; one submission).

Conditions:
Dextro-looped transposition of the great arteries. Also called: Dextrotransposition of the great arteries. Identifiers: Orphanet 860, MedGen C3531771, MONDO:0019443, OMIM 608808, HP:0031348.

Submission:

Labcorp Genetics (formerly Invitae), Labcorp
Classification: Pathogenic for Dextro-looped transposition of the great arteries. Last evaluated: 2019-07-01. Review status: criteria provided, single submitter. Criteria: Invitae Variant Classification Sherloc (09022015). Collection method: clinical testing. Allele origin: germline.
Comment: For these reasons, this variant has been classified as Pathogenic. Sub-genic deletion of exons 6-20 has been determined to be pathogenic (PMID: 24781760). Therefore, deletions that fully encompass that region are also expected to be pathogenic. This variant has not been reported in the literature in individuals with MED13L-related conditions. This variant is a gross deletion of the genomic region encompassing exons 4-31 of the MED13L gene. The 5' boundary is likely confined to intron 3. The 3' end of this event is unknown as it extends through the termination codon beyond the assayed region for this gene and may encompass additional genes. While this deletion is not anticipated to result in nonsense mediated decay, it is expected to create a truncated protein product or disrupt mRNA translation.

Literature cited by the submitters: PubMed 24781760.

NC_000012.12:g.(?_115961246)_(116096772_?)del

Gene: MED13L (mediator complex subunit 13L; minus strand). Cytogenetic location: 12q24.21.
Variant type: Deletion.
Identifiers: ClinVar variation 833087 (VCV000833087.9).